The following is an entry in ClinVar:

ClinVar aggregate classification (germline): Uncertain significance (1 of 4 stars; one submission).

Conditions:
DICER1-related tumor predisposition. Also called: DICER1 syndrome; DICER1-related pleuropulmonary blastoma cancer predisposition syndrome. Identifiers: Orphanet 284343, MedGen C3839822, MONDO:0100216.

Submission:

Labcorp Genetics (formerly Invitae), Labcorp
Classification: Uncertain significance for DICER1-related tumor predisposition. Last evaluated: 2022-05-02. Review status: criteria provided, single submitter. Criteria: Invitae Variant Classification Sherloc (09022015). Collection method: clinical testing. Allele origin: germline.
Comment: This variant has not been reported in the literature in individuals affected with DICER1-related conditions. Algorithms developed to predict the effect of missense changes on protein structure and function are either unavailable or do not agree on the potential impact of this missense change (SIFT: "Tolerated"; PolyPhen-2: "Probably Damaging"; Align-GVGD: "Class C0"). In summary, the available evidence is currently insufficient to determine the role of this variant in disease. Therefore, it has been classified as a Variant of Uncertain Significance. This sequence change replaces proline, which is neutral and non-polar, with alanine, which is neutral and non-polar, at codon 809 of the DICER1 protein (p.Pro809Ala). This variant is not present in population databases (gnomAD no frequency).

NM_177438.3(DICER1):c.2425C>G (p.Pro809Ala)

Gene: DICER1 (dicer 1, ribonuclease III; minus strand). Cytogenetic location: 14q32.13.
Variant type: single nucleotide variant.
Coding change: c.2425C>G on transcript NM_177438.3 (MANE Select); coding-DNA position 2425, C replaced by G.
Protein change: p.Pro809Ala; replaces proline 809 with alanine.
Molecular consequence: missense variant. On other transcripts: non-coding transcript variant (6).
Genome position (GRCh38, 1-based): chr14:95,108,335, G>C on the plus strand (C>G on the coding strand, the complement: DICER1 is on the minus strand). VCF-style: chr14-95108335-G-C. GRCh37 (hg19) VCF-style: chr14-95574672-G-C.
Other names: c.2425C>G, p.Pro809Ala (NM_001195573.1, NM_001271282.3, NM_001291628.2 and 13 more transcripts); c.2143C>G, p.Pro715Ala (NM_001395686.1); c.2020C>G, p.Pro674Ala (NM_001395687.1, NM_001395688.1, NM_001395689.1 and 2 more transcripts); c.1858C>G, p.Pro620Ala (NM_001395691.1); c.742C>G, p.Pro248Ala (NM_001395697.1); short protein forms P248A, P674A, P620A, P715A, P809A.
Identifiers: ClinVar variation 2132965 (VCV002132965.4), dbSNP rs2542851795, ClinGen allele CA390882071.